The following is an entry in ClinVar:

NM_213647.3(FGFR4):c.162T>G (p.Arg54=)

Gene: FGFR4 (fibroblast growth factor receptor 4; plus strand). Cytogenetic location: 5q35.2.
Variant type: single nucleotide variant.
Coding change: c.162T>G on transcript NM_213647.3 (MANE Select); coding-DNA position 162, T replaced by G.
Protein change: p.Arg54=; no amino-acid change (arginine 54 retained).
Molecular consequence: synonymous variant.
Genome position (GRCh38, 1-based): chr5:177,090,460, T>G. VCF-style: chr5-177090460-T-G. GRCh37 (hg19) VCF-style: chr5-176517461-T-G.
Other names: c.162T>G, p.Arg54= (NM_001291980.2, NM_001354984.2, NM_002011.5 and 1 more transcripts).
Identifiers: ClinVar variation 3061016 (VCV003061016.2), dbSNP rs446382, ClinGen allele CA3575922.

ClinVar aggregate classification (germline): Benign (0 of 4 stars; one submission).

Conditions:
FGFR4-related disorder. Also called: FGFR4-related condition.

Allele frequency attached by ClinVar (database versions not stated): ESP Exome Variant Server 0.68323; TOPMed 0.70412; ExAC 0.76467; 1000 Genomes Project 30x 0.76905; 1000 Genomes Project 0.77596.
gnomAD v4.1: 1,186,279 of 1,602,806 alleles (74%); highest among the groups gnomAD compares: East Asian, 98%; 443,046 homozygotes.

Submission:

PreventionGenetics, part of Exact Sciences
Classification: Benign for FGFR4-related condition. Last evaluated: 2019-10-17. Review status: no assertion criteria provided. Collection method: clinical testing. Allele origin: germline.
Comment: This variant is classified as benign based on ACMG/AMP sequence variant interpretation guidelines (Richards et al. 2015 PMID: 25741868, with internal and published modifications).